The following is an entry in ClinVar:

ClinVar aggregate classification (germline): Likely benign (1 of 4 stars; one submission).

Conditions:
Breast-ovarian cancer, familial, susceptibility to, 2 (BROVCA2). Also called: BRCA2 Hereditary Breast and Ovarian Cancer. Identifiers: Orphanet 145, MedGen C2675520, MONDO:0012933, OMIM 612555. Disease mechanism: loss of function.

gnomAD v4.1: 1 of 1,614,192 alleles (0.000062%); highest among the groups gnomAD compares: Non-Finnish European, 0.000085%; no homozygotes.

Submission:

Cancer Bioinformatics and Tumour Evolution Laboratory, Monash University
Classification: Likely benign for Breast-ovarian cancer, familial, susceptibility to, 2. Last evaluated: 2026-05-01. Review status: criteria provided, single submitter. Criteria: ClinGen BRCA1 and BRCA2 Guidelines, 2024. Collection method: curation. Allele origin: germline. Inheritance: Autosomal dominant inheritance.
Comment: Missense variant outside of a functional domain with no splice impact. BRCA1 and BRCA2 VCEP guidelines recommend application of BP1_Strong (PMID: 39142283)

NM_000059.4(BRCA2):c.9952A>G (p.Asn3318Asp)

Gene: BRCA2 (BRCA2 DNA repair associated; plus strand). Cytogenetic location: 13q13.1.
Variant type: single nucleotide variant.
Coding change: c.9952A>G on transcript NM_000059.4 (MANE Select); coding-DNA position 9952, A replaced by G.
Protein change: p.Asn3318Asp; replaces asparagine 3318 with aspartic acid.
Molecular consequence: missense variant. On other transcripts: non-coding transcript variant (1).
Genome position (GRCh38, 1-based): chr13:32,398,465, A>G. VCF-style: chr13-32398465-A-G. GRCh37 (hg19) VCF-style: chr13-32972602-A-G.
Other names: c.9856A>G, p.Asn3286Asp (NM_001406719.1); c.9901A>G, p.Asn3301Asp (NM_001406720.1); c.5020A>G, p.Asn1674Asp (NM_001406721.1); c.3535A>G, p.Asn1179Asp (NM_001406722.1); c.9952A>G, p.Asn3318Asp (NM_001432077.1); short protein forms N1179D, N1674D, N3286D, N3301D, N3318D.
Identifiers: ClinVar variation 4856521 (VCV004856521.1).
Genomic context (GRCh38, chr13:32,398,465, plus strand): 5'-TTTCAGCCACCAAGGAGTTGTGGCACCAAATACGAAACACCCATAAAGAAAAAAGAACTG[A>G]ATTCTCCTCAGATGACTCCATTTAAAAAATTCAATGAAATTTCTCTTTTGGAAAGTAATT-3'
Protein context (NP_000050.3, residues 3308-3328): YETPIKKKEL[Asn3318Asp]SPQMTPFKKF